The following is an entry in ClinVar:

ClinVar aggregate classification (germline): Pathogenic (1 of 4 stars; one submission).

Conditions:
Primary ciliary dyskinesia. Also called: Ciliary dyskinesia. Identifiers: Orphanet 244, MedGen C0008780, MONDO:0016575, HP:0012265.

Allele frequency attached by ClinVar (database versions not stated): gnomAD exomes 0.00001; ExAC 0.00002; gnomAD 0.00003; TOPMed 0.00003; ESP Exome Variant Server 0.00008.
gnomAD v4.1: 19 of 1,613,024 alleles (0.0012%); highest among the groups gnomAD compares: African/African-American, 0.0053%; no homozygotes.

Submission:

Labcorp Genetics (formerly Invitae), Labcorp
Classification: Pathogenic for Primary ciliary dyskinesia. Last evaluated: 2023-12-25. Review status: criteria provided, single submitter. Criteria: Invitae Variant Classification Sherloc (09022015). Collection method: clinical testing. Allele origin: germline.
Comment: This sequence change creates a premature translational stop signal (p.Arg3024*) in the DNAH8 gene. It is expected to result in an absent or disrupted protein product. Loss-of-function variants in DNAH8 are known to be pathogenic (PMID: 24307375, 32619401, 32681648). This variant is present in population databases (rs375764737, gnomAD 0.008%). This variant has not been reported in the literature in individuals affected with DNAH8-related conditions. For these reasons, this variant has been classified as Pathogenic.

Literature cited by the submitters: PubMed 24307375; PubMed 32619401; PubMed 32681648.

NM_001206927.2(DNAH8):c.9070C>T (p.Arg3024Ter)

Gene: DNAH8 (dynein axonemal heavy chain 8; plus strand). Cytogenetic location: 6p21.2.
Variant type: single nucleotide variant.
Coding change: c.9070C>T on transcript NM_001206927.2 (MANE Select); coding-DNA position 9070, C replaced by T.
Protein change: p.Arg3024Ter; replaces arginine 3024 with a stop codon.
Molecular consequence: nonsense.
Genome position (GRCh38, 1-based): chr6:38,899,782, C>T. VCF-style: chr6-38899782-C-T. GRCh37 (hg19) VCF-style: chr6-38867558-C-T.
Other names: c.8419C>T, p.Arg2807Ter (NM_001371.4); short protein forms R2807*, R3024*.
Identifiers: ClinVar variation 2727782 (VCV002727782.3), dbSNP rs375764737, ClinGen allele CA3790388.